The following is an entry in ClinVar:

ClinVar aggregate classification (germline): Uncertain significance. Review status: criteria provided, multiple submitters, no conflicts (2 of 4 stars). 2 submissions from 2 submitters: Uncertain significance (2). Last evaluated 2022-08-17.

Conditions:
Cardiovascular phenotype. Identifiers: MedGen CN230736.
Long QT syndrome (LQTS). Identifiers: MedGen C0023976, MeSH D008133, MONDO:0002442. Disease mechanism: loss of function. Inheritance: Various modes of inheritance.

Allele frequency attached by ClinVar (database versions not stated): gnomAD 0.00001; gnomAD exomes 0.00001 and 0.00002; ExAC 0.00002; TOPMed 0.00002.
gnomAD v4.1: 23 of 1,613,926 alleles (0.0014%); highest among the groups gnomAD compares: Non-Finnish European, 0.0019%; no homozygotes.

Submissions (2):

Ambry Genetics
Classification: Uncertain significance for Cardiovascular phenotype. Last evaluated: 2022-08-17. Review status: criteria provided, single submitter. Criteria: Ambry Variant Classification Scheme 2023. Collection method: clinical testing. Allele origin: germline.

Labcorp Genetics (formerly Invitae), Labcorp
Classification: Uncertain significance for Long QT syndrome. Last evaluated: 2021-08-04. Review status: criteria provided, single submitter. Criteria: Invitae Variant Classification Sherloc (09022015). Collection method: clinical testing. Allele origin: germline.
Comment: This variant has not been reported in the literature in individuals affected with ANK2-related conditions. This variant is present in population databases (rs760127428, ExAC 0.003%). This sequence change replaces serine with asparagine at codon 3507 of the ANK2 protein (p.Ser3507Asn). The serine residue is moderately conserved and there is a small physicochemical difference between serine and asparagine. Algorithms developed to predict the effect of missense changes on protein structure and function are either unavailable or do not agree on the potential impact of this missense change (SIFT: "Deleterious"; PolyPhen-2: "Probably Damaging"; Align-GVGD: "Class C0"). In summary, the available evidence is currently insufficient to determine the role of this variant in disease. Therefore, it has been classified as a Variant of Uncertain Significance.

NM_001148.6(ANK2):c.10520G>A (p.Ser3507Asn)

Gene: ANK2 (ankyrin 2; plus strand). Cytogenetic location: 4q26.
Variant type: single nucleotide variant.
Coding change: c.10520G>A on transcript NM_001148.6 (MANE Select); coding-DNA position 10520, G replaced by A.
Protein change: p.Ser3507Asn; replaces serine 3507 with asparagine.
Molecular consequence: missense variant. On other transcripts: intron variant (68).
Genome position (GRCh38, 1-based): chr4:113,359,138, G>A. VCF-style: chr4-113359138-G-A. GRCh37 (hg19) VCF-style: chr4-114280294-G-A.
Other names: c.10286G>A, p.Ser3429Asn (NM_001386142.1); c.6920G>A, p.Ser2307Asn (NM_001386166.1); c.10661G>A, p.Ser3554Asn (NM_001386174.1); c.10637G>A, p.Ser3546Asn (NM_001386175.1); c.4412-1685G>A (NM_001386186.2, NM_001386148.2); c.4214-1685G>A (NM_001354269.3); c.4292-1685G>A (NM_001386187.2); c.4253-1685G>A (NM_001386147.1); and 36 more; short protein forms S3554N, S3429N, S3507N, S3546N, S2307N.
Identifiers: ClinVar variation 1441252 (VCV001441252.8), dbSNP rs760127428, ClinGen allele CA3052080.